The following is an entry in ClinVar:

ClinVar aggregate classification (germline): Uncertain significance. Review status: criteria provided, multiple submitters, no conflicts (2 of 4 stars). 2 submissions from 2 submitters: Uncertain significance (2). Last evaluated 2025-08-15.

Conditions:
Joubert syndrome 28 (JBTS28). Identifiers: MedGen C4310705, MONDO:0014928, OMIM 617121.
Meckel syndrome, type 1 (MKS1). Also called: MECKEL-GRUBER SYNDROME, TYPE 1. Identifiers: Orphanet 564, MedGen C3714506, MONDO:0009571, OMIM 249000.
Bardet-Biedl syndrome 13 (BBS13). Identifiers: Orphanet 110, MedGen C2673873, MONDO:0014441, OMIM 615990.
Joubert syndrome. Also called: CEREBELLOPARENCHYMAL DISORDER IV; JOUBERT-BOLTSHAUSER SYNDROME; Familial aplasia of the vermis. Identifiers: Orphanet 475, MedGen C5979921, MONDO:0018772.
Meckel-Gruber syndrome. Also called: DYSENCEPHALIA SPLANCHNOCYSTICA; GRUBER SYNDROME; Dysencephalia splachnocystica. Identifiers: Orphanet 564, MedGen C0265215, MONDO:0018921.

Allele frequency attached by ClinVar (database versions not stated): gnomAD exomes below 0.00001 and 0.00001; ExAC 0.00001; gnomAD 0.00001; TOPMed 0.00002; 1000 Genomes Project 30x 0.00016; 1000 Genomes Project 0.00040.
gnomAD v4.1: 2 of 1,613,176 alleles (0.00012%); highest among the groups gnomAD compares: Admixed American, 0.0033%; no homozygotes.

Submissions (2):

Labcorp Genetics (formerly Invitae), Labcorp
Classification: Uncertain significance for Joubert syndrome; Meckel-Gruber syndrome. Last evaluated: 2025-08-15. Review status: criteria provided, single submitter. Criteria: Invitae Variant Classification Sherloc (09022015). Collection method: clinical testing. Allele origin: germline.
Comment: This sequence change replaces glycine, which is neutral and non-polar, with valine, which is neutral and non-polar, at codon 175 of the MKS1 protein (p.Gly175Val). This variant is present in population databases (rs527350238, gnomAD 0.006%). This variant has not been reported in the literature in individuals affected with MKS1-related conditions. ClinVar contains an entry for this variant (Variation ID: 1348883). Invitae Evidence Modeling of protein sequence and biophysical properties (such as structural, functional, and spatial information, amino acid conservation, physicochemical variation, residue mobility, and thermodynamic stability) indicates that this missense variant is not expected to disrupt MKS1 protein function with a negative predictive value of 80%. In summary, the available evidence is currently insufficient to determine the role of this variant in disease. Therefore, it has been classified as a Variant of Uncertain Significance.

Fulgent Genetics
Classification: Uncertain significance for Meckel syndrome, type 1; Bardet-Biedl syndrome 13; Joubert syndrome 28. Last evaluated: 2024-01-28. Review status: criteria provided, single submitter. Criteria: ACMG Guidelines, 2015. Collection method: clinical testing. Allele origin: germline.

NM_017777.4(MKS1):c.524G>T (p.Gly175Val)

Gene: MKS1 (MKS transition zone complex subunit 1; minus strand). Cytogenetic location: 17q22.
Variant type: single nucleotide variant.
Coding change: c.524G>T on transcript NM_017777.4 (MANE Select); coding-DNA position 524, G replaced by T.
Protein change: p.Gly175Val; replaces glycine 175 with valine.
Molecular consequence: missense variant. On other transcripts: 5 prime UTR variant (1).
Genome position (GRCh38, 1-based): chr17:58,214,379, C>A on the plus strand (G>T on the coding strand, the complement: MKS1 is on the minus strand). VCF-style: chr17-58214379-C-A. GRCh37 (hg19) VCF-style: chr17-56291740-C-A.
Other names: c.-86G>T (NM_001321268.2); c.524G>T, p.Gly175Val (NM_001321269.2, NM_001330397.2); short protein forms G175V.
Identifiers: ClinVar variation 1348883 (VCV001348883.7), dbSNP rs527350238, ClinGen allele CA8669477.